The following is an entry in ClinVar:

ClinVar aggregate classification (germline): Uncertain significance. Review status: criteria provided, multiple submitters, no conflicts (2 of 4 stars). 2 submissions from 2 submitters: Uncertain significance (2). Last evaluated 2026-06-05.

Conditions:
PCDH15-related disorder. Also called: PCDH15-related disorders; PCDH15-related condition.

Allele frequency attached by ClinVar (database versions not stated): gnomAD 0.00001.
gnomAD v4.1: 31 of 1,613,456 alleles (0.0019%); highest among the groups gnomAD compares: Non-Finnish European, 0.0023%; no homozygotes.

Submissions (2):

PreventionGenetics, part of Exact Sciences
Classification: Uncertain significance for PCDH15-related condition. Last evaluated: 2026-06-05. Review status: criteria provided, single submitter. Criteria: ACMG Guidelines, 2015. Collection method: clinical testing. Allele origin: germline.
Comment: The PCDH15 c.1999A>G variant is predicted to result in the amino acid substitution p.Thr667Ala. To our knowledge, this variant has not been reported in the literature. This variant is reported in 0.0033% of alleles in individuals of South Asian descent in gnomAD. At this time, the clinical significance of this variant is uncertain due to the absence of conclusive functional and genetic evidence.

Labcorp Genetics (formerly Invitae), Labcorp
Classification: Uncertain significance. Last evaluated: 2022-02-05. Review status: criteria provided, single submitter. Criteria: Invitae Variant Classification Sherloc (09022015). Collection method: clinical testing. Allele origin: germline.
Comment: This sequence change replaces threonine, which is neutral and polar, with alanine, which is neutral and non-polar, at codon 667 of the PCDH15 protein (p.Thr667Ala). This variant is present in population databases (no rsID available, gnomAD 0.003%). This variant has not been reported in the literature in individuals affected with PCDH15-related conditions. Algorithms developed to predict the effect of missense changes on protein structure and function (SIFT, PolyPhen-2, Align-GVGD) all suggest that this variant is likely to be tolerated. In summary, the available evidence is currently insufficient to determine the role of this variant in disease. Therefore, it has been classified as a Variant of Uncertain Significance.

NM_001384140.1(PCDH15):c.1999A>G (p.Thr667Ala)

Gene: PCDH15 (protocadherin related 15; minus strand). Cytogenetic location: 10q21.1.
Variant type: single nucleotide variant.
Coding change: c.1999A>G on transcript NM_001384140.1 (MANE Select); coding-DNA position 1999, A replaced by G.
Protein change: p.Thr667Ala; replaces threonine 667 with alanine.
Molecular consequence: missense variant.
Genome position (GRCh38, 1-based): chr10:54,079,423, T>C on the plus strand (A>G on the coding strand, the complement: PCDH15 is on the minus strand). VCF-style: chr10-54079423-T-C. GRCh37 (hg19) VCF-style: chr10-55839183-T-C.
Other names: c.2020A>G, p.Thr674Ala (NM_001354411.2); c.1999A>G, p.Thr667Ala (NM_001354420.2, NM_001354429.2, NM_001354430.2 and 5 more transcripts); c.2014A>G, p.Thr672Ala (NM_001142763.2, NM_001142771.2); c.1786A>G, p.Thr596Ala (NM_001142765.2); c.1888A>G, p.Thr630Ala (NM_001142767.2); c.1933A>G, p.Thr645Ala (NM_001142768.2, NM_001142773.2, NM_001354404.2); c.2035A>G, p.Thr679Ala (NM_001142769.4); c.1999A>G (NM_033056.3); short protein forms T645A, T596A, T630A, T672A, T679A, T667A, T674A.
Identifiers: ClinVar variation 2200103 (VCV002200103.2), dbSNP rs367713892, ClinGen allele CA376521123.
Genomic context (GRCh38, chr10:54,079,423, plus strand): 5'-TCAGAATGTAGCGATCAGTGCTTTCCCTGTCCAGTGCTTTCCCTAAGGTTAGAATCCCCG[T>C]GCTAGTGACAAAACAAACAAACAAATAAGACAAAAAGAGATATTATGTCACAAGGAGAGT-3'
Protein context (NP_001371069.1, residues 657-677): PQRVFNLSET[Thr667Ala]GILTLGKALD